The following is an entry in ClinVar:

ClinVar aggregate classification (germline): Uncertain significance. Review status: criteria provided, multiple submitters, no conflicts (2 of 4 stars). 4 submissions from 4 submitters: Uncertain significance (4). Last evaluated 2025-08-15.

Conditions:
Dyskeratosis congenita. Identifiers: Orphanet 1775, MedGen C0265965, MONDO:0015780.
Cerebroretinal microangiopathy with calcifications and cysts 1 (CRMCC1). Identifiers: Orphanet 313838, MedGen C4552029, MONDO:0024564, OMIM 612199.

Allele frequency attached by ClinVar (database versions not stated): TOPMed 0.00017.
gnomAD v4.1: 27 of 1,613,726 alleles (0.0017%); highest among the groups gnomAD compares: African/African-American, 0.035%; no homozygotes.

Submissions (4):

Labcorp Genetics (formerly Invitae), Labcorp
Classification: Uncertain significance for Dyskeratosis congenita. Last evaluated: 2025-08-15. Review status: criteria provided, single submitter. Criteria: Invitae Variant Classification Sherloc (09022015). Collection method: clinical testing. Allele origin: germline.
Comment: This sequence change replaces serine, which is neutral and polar, with asparagine, which is neutral and polar, at codon 83 of the CTC1 protein (p.Ser83Asn). This variant is present in population databases (rs78870822, gnomAD 0.06%). This variant has not been reported in the literature in individuals affected with CTC1-related conditions. ClinVar contains an entry for this variant (Variation ID: 803320). Invitae Evidence Modeling of protein sequence and biophysical properties (such as structural, functional, and spatial information, amino acid conservation, physicochemical variation, residue mobility, and thermodynamic stability) indicates that this missense variant is expected to disrupt CTC1 protein function with a positive predictive value of 80%. In summary, the available evidence is currently insufficient to determine the role of this variant in disease. Therefore, it has been classified as a Variant of Uncertain Significance.

ARUP Laboratories, Molecular Genetics and Genomics, ARUP Laboratories
Classification: Uncertain significance for Cerebroretinal microangiopathy with calcifications and cysts 1. Last evaluated: 2024-02-05. Review status: criteria provided, single submitter. Criteria: ARUP Molecular Germline Variant Investigation Process 2024. Collection method: clinical testing. Allele origin: germline.

Genome-Nilou Lab
Classification: Uncertain significance for Cerebroretinal microangiopathy with calcifications and cysts 1. Last evaluated: 2021-07-15. Review status: criteria provided, single submitter. Criteria: ACMG Guidelines, 2015. Collection method: clinical testing. Allele origin: germline. Affected: no.

Mendelics
Classification: Uncertain significance for Cerebroretinal microangiopathy with calcifications and cysts 1. Last evaluated: 2019-05-28. Review status: criteria provided, single submitter. Criteria: Mendelics Assertion Criteria 2017. Collection method: clinical testing. Allele origin: unknown.

NM_025099.6(CTC1):c.248G>A (p.Ser83Asn)

Gene: CTC1 (CST telomere replication complex component 1; minus strand). Cytogenetic location: 17p13.1.
Variant type: single nucleotide variant.
Coding change: c.248G>A on transcript NM_025099.6 (MANE Select); coding-DNA position 248, G replaced by A.
Protein change: p.Ser83Asn; replaces serine 83 with asparagine.
Molecular consequence: missense variant. On other transcripts: non-coding transcript variant (1).
Genome position (GRCh38, 1-based): chr17:8,238,579, C>T on the plus strand (G>A on the coding strand, the complement: CTC1 is on the minus strand). VCF-style: chr17-8238579-C-T. GRCh37 (hg19) VCF-style: chr17-8141897-C-T.
Other names: short protein forms S83N.
Identifiers: ClinVar variation 803320 (VCV000803320.12), dbSNP rs78870822, ClinGen allele CA8372668.